The following is an entry in ClinVar:

NM_004415.4(DSP):c.5515G>A (p.Ala1839Thr)

Gene: DSP (desmoplakin; plus strand). Cytogenetic location: 6p24.3.
Variant type: single nucleotide variant.
Coding change: c.5515G>A on transcript NM_004415.4 (MANE Select); coding-DNA position 5515, G replaced by A.
Protein change: p.Ala1839Thr; replaces alanine 1839 with threonine.
Molecular consequence: missense variant.
Genome position (GRCh38, 1-based): chr6:7,582,777, G>A. VCF-style: chr6-7582777-G-A. GRCh37 (hg19) VCF-style: chr6-7583010-G-A.
Other names: c.3718G>A, p.Ala1240Thr (NM_001008844.3); c.4186G>A, p.Ala1396Thr (NM_001319034.2); short protein forms A1396T, A1839T, A1240T.
Identifiers: ClinVar variation 928448 (VCV000928448.4), dbSNP rs1759481360, ClinGen allele CA362688792.

ClinVar aggregate classification (germline): Uncertain significance (1 of 4 stars; one submission).

Conditions:
Cardiomyopathy (CMYO). Also called: Cardiomyopathies. Identifiers: Orphanet 167848, MedGen C0878544, MONDO:0004994, HP:0001638. Inheritance: Various modes of inheritance.

Submission:

Color Diagnostics, LLC DBA Color Health
Classification: Uncertain significance for Cardiomyopathy. Last evaluated: 2024-03-06. Review status: criteria provided, single submitter. Criteria: ACMG Guidelines, 2015. Collection method: clinical testing. Allele origin: germline.
Comment: This missense variant replaces alanine with threonine at codon 1839 of the DSP protein. Computational prediction suggests that this variant may not impact protein structure and function (internally defined REVEL score threshold <= 0.5, PMID: 27666373). Splice site prediction tools suggest that this variant may not impact RNA splicing. To our knowledge, functional studies have not been performed for this variant. This variant has not been reported in individuals affected with cardiovascular disorders in the literature. This variant has not been identified in the general population by the Genome Aggregation Database (gnomAD). The available evidence is insufficient to determine the role of this variant in disease conclusively. Therefore, this variant is classified as a Variant of Uncertain Significance.